The following is an entry in ClinVar:

ClinVar aggregate classification (germline): Likely benign (1 of 4 stars; one submission).

Submission:

CeGaT Center for Human Genetics Tuebingen
Classification: Likely benign. Last evaluated: 2025-06-01. Review status: criteria provided, single submitter. Criteria: CeGaT Center For Human Genetics Tuebingen Variant Classification Criteria Version 2. Collection method: clinical testing. Allele origin: germline. Affected: yes. Observed: 1 variant allele.
Comment: ANKRD20A4P: PM2:Supporting, BP4, BP7

NR_146419.1(ANKRD20A4-ANKRD20A20P):n.1671A>C

Gene: ANKRD20A4-ANKRD20A20P (ANKRD20A4-ANKRD20A20P readthrough; plus strand). Cytogenetic location: 9q13.
Variant type: single nucleotide variant.
Molecular consequence: non-coding transcript variant (on NR_146419.1).
Genome position: GRCh38 VCF-style: chr9-64409511-A-C. GRCh37 (hg19) VCF-style: chr9-69421929-A-C.
Identifiers: ClinVar variation 4084514 (VCV004084514.8).